The following is an entry in ClinVar:

NM_001386298.1(CIC):c.7054+4C>A

Gene: CIC (capicua transcriptional repressor; plus strand). Cytogenetic location: 19q13.2.
Variant type: single nucleotide variant.
Coding change: c.7054+4C>A on transcript NM_001386298.1 (MANE Select); 4 bases into the intron after coding-DNA position 7054, C replaced by A.
Molecular consequence: intron variant.
Genome position (GRCh38, 1-based): chr19:42,294,308, C>A. VCF-style: chr19-42294308-C-A. GRCh37 (hg19) VCF-style: chr19-42798460-C-A.
Other names: c.4327+4C>A (NM_015125.3, NM_015125.5); c.7054+4C>A (NM_001304815.2); c.7051+4C>A (NM_001379482.1, NM_001379480.1); c.4321+10C>A (NM_001379484.1); c.4318+10C>A (NM_001379485.1).
Identifiers: ClinVar variation 975209 (VCV000975209.3), dbSNP rs572168958, ClinGen allele CA9472899.

ClinVar aggregate classification (germline): Likely benign. Review status: criteria provided, single submitter (1 of 4 stars). 3 submissions from 3 submitters: Likely benign (1). 2 of the submissions do not count toward it. Last evaluated 2023-09-27.

Conditions:
Intellectual disability. Also called: intellectual disabilities; Intellectual developmental disorder; Intellectual functioning disability. Identifiers: MedGen C3714756, MeSH D008607, MONDO:0001071, HP:0001249.
CIC-related disorder. Also called: CIC-related condition.
Inborn genetic diseases. Identifiers: MedGen C0950123, MeSH D030342.

Allele frequency attached by ClinVar (database versions not stated): 1000 Genomes Project 30x 0.00031; gnomAD 0.00003 and 0.00004; TOPMed 0.00007; 1000 Genomes Project 0.00020.
gnomAD v4.1: 64 of 1,612,708 alleles (0.004%); highest among the groups gnomAD compares: Middle Eastern, 0.05%; no homozygotes.

Submissions (3):

Ambry Genetics
Classification: Likely benign for Inborn genetic diseases. Last evaluated: 2023-09-27. Review status: criteria provided, single submitter. Criteria: Ambry Variant Classification Scheme 2023. Collection method: clinical testing. Allele origin: germline.

PreventionGenetics, part of Exact Sciences
Classification: Likely benign for CIC-related condition. Last evaluated: 2019-02-28. Review status: no assertion criteria provided. Collection method: clinical testing. Allele origin: germline. Not counted in ClinVar's aggregate classification.
Comment: This variant is classified as likely benign based on ACMG/AMP sequence variant interpretation guidelines (Richards et al. 2015 PMID: 25741868, with internal and published modifications).

Centre de Biologie Pathologie Génétique, Centre Hospitalier Universitaire de Lille
Classification: Likely benign for Intellectual disability. Last evaluated: 2019-01-01. Review status: no assertion criteria provided. Collection method: clinical testing. Allele origin: inherited. Affected: yes. Not counted in ClinVar's aggregate classification.